The following is an entry in ClinVar:

ClinVar aggregate classification (germline): Uncertain significance (1 of 4 stars; one submission).

Conditions:
WASF1-related disorder. Also called: WASF1-related condition.

Allele frequency attached by ClinVar (database versions not stated): gnomAD exomes below 0.00001; TOPMed below 0.00001; ExAC 0.00002.
gnomAD v4.1: 6 of 1,613,110 alleles (0.00037%); highest among the groups gnomAD compares: South Asian, 0.0022%; 1 homozygote.

Submission:

PreventionGenetics, part of Exact Sciences
Classification: Uncertain significance for WASF1-related condition. Last evaluated: 2023-07-29. Review status: criteria provided, single submitter. Criteria: ACMG Guidelines, 2015. Collection method: clinical testing. Allele origin: germline.
Comment: The WASF1 c.557G>A variant is predicted to result in the amino acid substitution p.Arg186His. To our knowledge, this variant has not been reported in the literature. This variant is reported in 0.0066% of alleles in individuals of South Asian descent in gnomAD. At this time, the clinical significance of this variant is uncertain due to the absence of conclusive functional and genetic evidence.

NM_003931.3(WASF1):c.557G>A (p.Arg186His)

Gene: WASF1 (WASP family member 1; minus strand). Cytogenetic location: 6q21.
Variant type: single nucleotide variant.
Coding change: c.557G>A on transcript NM_003931.3 (MANE Select); coding-DNA position 557, G replaced by A.
Protein change: p.Arg186His; replaces arginine 186 with histidine.
Molecular consequence: missense variant.
Genome position (GRCh38, 1-based): chr6:110,105,563, C>T on the plus strand (G>A on the coding strand, the complement: WASF1 is on the minus strand). VCF-style: chr6-110105563-C-T. GRCh37 (hg19) VCF-style: chr6-110426766-C-T.
Other names: c.557G>A, p.Arg186His (NM_001024934.2, NM_001024935.2, NM_001024936.2); short protein forms R186H.
Identifiers: ClinVar variation 2631322 (VCV002631322.1), dbSNP rs746992907, ClinGen allele CA3956961.